The following is an entry in ClinVar:

ClinVar aggregate classification (germline): Likely benign (1 of 4 stars; one submission).

Submission:

CeGaT Center for Human Genetics Tuebingen
Classification: Likely benign. Last evaluated: 2025-06-01. Review status: criteria provided, single submitter. Criteria: CeGaT Center For Human Genetics Tuebingen Variant Classification Criteria Version 2. Collection method: clinical testing. Allele origin: germline. Affected: yes. Observed: 1 variant allele.
Comment: PAQR4: PM2:Supporting, BP4, BP7

NM_152341.5(PAQR4):c.33C>T (p.Asp11=)

Genes: PAQR4 (progestin and adipoQ receptor family member 4; plus strand), LOC130058285 (ATAC-STARR-seq lymphoblastoid silent region 7092; plus strand). Cytogenetic location: 16p13.3.
Variant type: single nucleotide variant.
Coding change: c.33C>T on transcript NM_152341.5 (MANE Select); coding-DNA position 33, C replaced by T.
Protein change: p.Asp11=; no amino-acid change (aspartic acid 11 retained).
Molecular consequence: synonymous variant. On other transcripts: intron variant (1).
Genome position (GRCh38, 1-based): chr16:2,969,707, C>T. VCF-style: chr16-2969707-C-T. GRCh37 (hg19) VCF-style: chr16-3019708-C-T.
Other names: c.33C>T, p.Asp11= (NM_001284511.2, NM_001284512.2, NM_001324118.2); c.-36+264C>T (NM_001284513.2).
Identifiers: ClinVar variation 3905533 (VCV003905533.10).
Genomic context (GRCh38, chr16:2,969,707, plus strand): 5'-AGCACGGGCTGCCCGCGCGGTGCGGACCATGGCGTTCCTGGCCGGGCCGCGCCTGCTGGA[C>T]TGGGCCAGCTCGCCGCCGCACCTGCAGTTCAATAAGTTCGTGCTGACCGGGTACCGGCCC-3'
Protein context (NP_689554.2, residues 1-21): MAFLAGPRLL[Asp11=]WASSPPHLQF